The following is an entry in ClinVar:

NM_022168.4(IFIH1):c.1755G>A (p.Met585Ile)

Gene: IFIH1 (interferon induced with helicase C domain 1; minus strand). Cytogenetic location: 2q24.2.
Variant type: single nucleotide variant.
Coding change: c.1755G>A on transcript NM_022168.4 (MANE Select); coding-DNA position 1755, G replaced by A.
Protein change: p.Met585Ile; replaces methionine 585 with isoleucine.
Molecular consequence: missense variant.
Genome position (GRCh38, 1-based): chr2:162,278,215, C>T on the plus strand (G>A on the coding strand, the complement: IFIH1 is on the minus strand). VCF-style: chr2-162278215-C-T. GRCh37 (hg19) VCF-style: chr2-163134725-C-T.
Other names: short protein forms M585I.
Identifiers: ClinVar variation 4791766 (VCV004791766.1).

ClinVar aggregate classification (germline): Uncertain significance (1 of 4 stars; one submission).

Conditions:
Aicardi-Goutieres syndrome 7 (AGS7). Identifiers: Orphanet 51, MedGen C3888244, MONDO:0014367, OMIM 615846.
Singleton-Merten syndrome 1 (SGMRT1). Also called: Widened medullary cavities of bone, aortic calcification, abnormal dentition, and muscular weakness; Syndrome of widened medullary cavities of the metacarpals and phalanges, aortic calcification and abnormal dentition. Identifiers: Orphanet 85191, MedGen C4225427, MONDO:0024535, OMIM 182250.

Submission:

Labcorp Genetics (formerly Invitae), Labcorp
Classification: Uncertain significance for Aicardi-Goutieres syndrome 7; Singleton-Merten syndrome 1. Last evaluated: 2025-10-08. Review status: criteria provided, single submitter. Criteria: Invitae Variant Classification Sherloc (09022015). Collection method: clinical testing. Allele origin: germline.
Comment: This sequence change replaces methionine, which is neutral and non-polar, with isoleucine, which is neutral and non-polar, at codon 585 of the IFIH1 protein (p.Met585Ile). This variant is not present in population databases (gnomAD no frequency). This variant has not been reported in the literature in individuals affected with IFIH1-related conditions. Invitae Evidence Modeling of protein sequence and biophysical properties (such as structural, functional, and spatial information, amino acid conservation, physicochemical variation, residue mobility, and thermodynamic stability) has been performed for this missense variant. However, the output from this modeling did not meet the statistical confidence thresholds required to predict the impact of this variant on IFIH1 protein function. In summary, the available evidence is currently insufficient to determine the role of this variant in disease. Therefore, it has been classified as a Variant of Uncertain Significance.